The following is an entry in ClinVar:

NM_031263.4(HNRNPK):c.1118A>G (p.Tyr373Cys)

Gene: HNRNPK (heterogeneous nuclear ribonucleoprotein K; minus strand). Cytogenetic location: 9q21.32.
Variant type: single nucleotide variant.
Coding change: c.1118A>G on transcript NM_031263.4 (MANE Select); coding-DNA position 1118, A replaced by G.
Protein change: p.Tyr373Cys; replaces tyrosine 373 with cysteine.
Molecular consequence: missense variant.
Genome position (GRCh38, 1-based): chr9:83,970,810, T>C on the plus strand (A>G on the coding strand, the complement: HNRNPK is on the minus strand). VCF-style: chr9-83970810-T-C. GRCh37 (hg19) VCF-style: chr9-86585725-T-C.
Other names: c.1046A>G, p.Tyr349Cys (NM_001318186.2, NM_001318187.2); c.1118A>G, p.Tyr373Cys (NM_001318188.2, NM_002140.5, NM_031262.4); c.1118A>G (NM_002140.3); short protein forms Y349C, Y373C.
Identifiers: ClinVar variation 1980095 (VCV001980095.5), dbSNP rs764223631, ClinGen allele CA5103916.

ClinVar aggregate classification (germline): Uncertain significance. Review status: criteria provided, multiple submitters, no conflicts (2 of 4 stars). 2 submissions from 2 submitters: Uncertain significance (2). Last evaluated 2025-05-21.

Conditions:
Inborn genetic diseases. Identifiers: MedGen C0950123, MeSH D030342.

Allele frequency attached by ClinVar (database versions not stated): gnomAD exomes below 0.00001; ExAC 0.00001; gnomAD 0.00001; TOPMed 0.00002.
gnomAD v4.1: 7 of 1,610,956 alleles (0.00043%); highest among the groups gnomAD compares: South Asian, 0.0011%; no homozygotes.

Submissions (2):

Ambry Genetics
Classification: Uncertain significance for Inborn genetic diseases. Last evaluated: 2025-05-21. Review status: criteria provided, single submitter. Criteria: Ambry Variant Classification Scheme 2023. Collection method: clinical testing. Allele origin: germline.

Labcorp Genetics (formerly Invitae), Labcorp
Classification: Uncertain significance. Last evaluated: 2022-08-12. Review status: criteria provided, single submitter. Criteria: Invitae Variant Classification Sherloc (09022015). Collection method: clinical testing. Allele origin: germline.
Comment: In summary, the available evidence is currently insufficient to determine the role of this variant in disease. Therefore, it has been classified as a Variant of Uncertain Significance. Algorithms developed to predict the effect of missense changes on protein structure and function are either unavailable or do not agree on the potential impact of this missense change (SIFT: "Not Available"; PolyPhen-2: "Benign"; Align-GVGD: "Not Available"). This variant has not been reported in the literature in individuals affected with HNRNPK-related conditions. This variant is present in population databases (rs764223631, gnomAD 0.003%). This sequence change replaces tyrosine, which is neutral and polar, with cysteine, which is neutral and slightly polar, at codon 373 of the HNRNPK protein (p.Tyr373Cys).